The following is an entry in ClinVar:

ClinVar aggregate classification (germline): Uncertain significance (1 of 4 stars; one submission).

Conditions:
PKD1-related disorder. Also called: PKD1-related condition.

gnomAD v4.1: 3 of 1,610,356 alleles (0.00019%); highest among the groups gnomAD compares: Non-Finnish European, 0.00025%; no homozygotes.

Submission:

PreventionGenetics, part of Exact Sciences
Classification: Uncertain significance for PKD1-related condition. Last evaluated: 2025-02-22. Review status: criteria provided, single submitter. Criteria: ACMG Guidelines, 2015. Collection method: clinical testing. Allele origin: germline.
Comment: The PKD1 c.2761A>G variant is predicted to result in the amino acid substitution p.Asn921Asp. To our knowledge, this variant has not been reported in the literature or in a large population database (gnomAD), indicating this variant is rare. At this time, the clinical significance of this variant is uncertain due to the absence of conclusive functional and genetic evidence.

NM_001009944.3(PKD1):c.2761A>G (p.Asn921Asp)

Gene: PKD1 (polycystin 1, transient receptor potential channel interacting; minus strand). Cytogenetic location: 16p13.3.
Variant type: single nucleotide variant.
Coding change: c.2761A>G on transcript NM_001009944.3 (MANE Select); coding-DNA position 2761, A replaced by G.
Protein change: p.Asn921Asp; replaces asparagine 921 with aspartic acid.
Molecular consequence: missense variant.
Genome position (GRCh38, 1-based): chr16:2,114,262, T>C on the plus strand (A>G on the coding strand, the complement: PKD1 is on the minus strand). VCF-style: chr16-2114262-T-C. GRCh37 (hg19) VCF-style: chr16-2164263-T-C.
Other names: c.2761A>G, p.Asn921Asp (NM_000296.4); short protein forms N921D.
Identifiers: ClinVar variation 5001836 (VCV005001836.1).